The following is an entry in ClinVar:

NM_002878.4(RAD51D):c.576+12G>A

Genes: RAD51L3-RFFL (RAD51L3-RFFL readthrough; minus strand), RAD51D (RAD51 paralog D; minus strand). Cytogenetic location: 17q12.
Variant type: single nucleotide variant.
Coding change: c.576+12G>A on transcript NM_002878.4 (MANE Select); 12 bases into the intron after coding-DNA position 576, G replaced by A.
Molecular consequence: intron variant.
Genome position (GRCh38, 1-based): chr17:35,106,374, C>T on the plus strand (G>A on the coding strand, the complement: RAD51D is on the minus strand). VCF-style: chr17-35106374-C-T. GRCh37 (hg19) VCF-style: chr17-33433393-C-T.
Other names: c.240+12G>A (NM_133629.3); c.636+12G>A (NM_001142571.2).
Identifiers: ClinVar variation 516567 (VCV000516567.14), dbSNP rs757751100, ClinGen allele CA8499449.

ClinVar aggregate classification (germline): Likely benign. Review status: criteria provided, multiple submitters, no conflicts (2 of 4 stars). 5 submissions from 5 submitters: Likely benign (5). Last evaluated 2025-09-27.

Conditions:
Breast-ovarian cancer, familial, susceptibility to, 4. Identifiers: Orphanet 145, MedGen C3280345, MONDO:0013669, OMIM 614291.
Hereditary cancer-predisposing syndrome. Also called: Tumor predisposition; Hereditary neoplastic syndrome; Neoplastic Syndromes, Hereditary; Hereditary Cancer Syndrome. Identifiers: Orphanet 140162, MedGen C0027672, MeSH D009386, MONDO:0015356.
Hereditary breast ovarian cancer syndrome. Also called: Hereditary breast and ovarian cancer syndrome (HBOC); Hereditary breast and ovarian cancer; Hereditary breast and ovarian cancer syndrome; Breast and ovarian cancer; BRCA1- and BRCA2-Associated Hereditary Breast and Ovarian Cancer; Hereditary breast and/or ovarian cancer syndrome. Identifiers: Orphanet 145, MedGen C0677776, MeSH D061325, MONDO:0003582. Disease mechanism: loss of function.

Allele frequency attached by ClinVar (database versions not stated): TOPMed below 0.00001; gnomAD exomes 0.00001; ExAC 0.00002.
gnomAD v4.1: 15 of 1,611,376 alleles (0.00093%); highest among the groups gnomAD compares: South Asian, 0.0011%; no homozygotes.

Submissions (5):

Labcorp Genetics (formerly Invitae), Labcorp
Classification: Likely benign for Breast-ovarian cancer, familial, susceptibility to, 4. Last evaluated: 2025-09-27. Review status: criteria provided, single submitter. Criteria: Invitae Variant Classification Sherloc (09022015). Collection method: clinical testing. Allele origin: germline.

Center for Genomic Medicine, Rigshospitalet, Copenhagen University Hospital
Classification: Likely benign. Last evaluated: 2025-03-04. Review status: criteria provided, single submitter. Criteria: ACMG Guidelines, 2015. Collection method: clinical testing. Allele origin: germline.

Department of Pathology and Laboratory Medicine, Sinai Health System
Classification: Likely benign for Hereditary breast ovarian cancer syndrome. Last evaluated: 2022-08-05. Review status: criteria provided, single submitter. Criteria: ACMG Guidelines, 2015. Collection method: clinical testing. Allele origin: germline. Affected: yes.

Color Diagnostics, LLC DBA Color Health
Classification: Likely benign for Hereditary cancer-predisposing syndrome. Last evaluated: 2018-05-29. Review status: criteria provided, single submitter. Criteria: ACMG Guidelines, 2015. Collection method: clinical testing. Allele origin: germline.

GeneDx
Classification: Likely benign. Last evaluated: 2017-04-26. Review status: criteria provided, single submitter. Criteria: GeneDx Variant Classification (06012015). Collection method: clinical testing. Allele origin: germline. Affected: yes.
Comment: This variant is considered likely benign or benign based on one or more of the following criteria: it is a conservative change, it occurs at a poorly conserved position in the protein, it is predicted to be benign by multiple in silico algorithms, and/or has population frequency not consistent with disease.